The following is an entry in ClinVar:

ClinVar aggregate classification (germline): Uncertain significance (1 of 4 stars; one submission).

Submission:

GeneDx
Classification: Uncertain significance. Last evaluated: 2025-05-14. Review status: criteria provided, single submitter. Criteria: GeneDx Variant Classification Process June 2021. Collection method: clinical testing. Allele origin: germline. Affected: yes.
Comment: Not observed at significant frequency in large population cohorts (gnomAD); In silico analysis supports that this missense variant has a deleterious effect on protein structure/function; Has not been previously published as pathogenic or benign to our knowledge

NM_020120.4(UGGT1):c.1393G>A (p.Glu465Lys)

Gene: UGGT1 (UDP-glucose glycoprotein glucosyltransferase 1; plus strand). Cytogenetic location: 2q14.3.
Variant type: single nucleotide variant.
Coding change: c.1393G>A on transcript NM_020120.4 (MANE Select); coding-DNA position 1393, G replaced by A.
Protein change: p.Glu465Lys; replaces glutamic acid 465 with lysine.
Molecular consequence: missense variant. On other transcripts: non-coding transcript variant (1).
Genome position (GRCh38, 1-based): chr2:128,133,156, G>A. VCF-style: chr2-128133156-G-A. GRCh37 (hg19) VCF-style: chr2-128890730-G-A.
Other names: short protein forms E465K.
Identifiers: ClinVar variation 4529555 (VCV004529555.1).
Genomic context (GRCh38, chr2:128,133,156, plus strand): 5'-ACTGGTTCCTAATGTGCATGTATCCTGTTGTGTTATTTTTTGTAGTGGGTCAACAACCTG[G>A]AGGTTGATAGCAGATATAATTCGTGGCCTTCTAGTTTACAAGAGTTGCTTCGACCCACCT-3'
Protein context (NP_064505.1, residues 455-475): SPAISWVNNL[Glu465Lys]VDSRYNSWPS